The following is an entry in ClinVar:

NM_001001671.4(MAP3K15):c.596G>A (p.Ser199Asn)

Gene: MAP3K15 (mitogen-activated protein kinase kinase kinase 15; minus strand). Cytogenetic location: Xp22.12.
Variant type: single nucleotide variant.
Coding change: c.596G>A on transcript NM_001001671.4 (MANE Select); coding-DNA position 596, G replaced by A.
Protein change: p.Ser199Asn; replaces serine 199 with asparagine.
Molecular consequence: missense variant.
Genome position (GRCh38, 1-based): chrX:19,464,336, C>T on the plus strand (G>A on the coding strand, the complement: MAP3K15 is on the minus strand). VCF-style: chrX-19464336-C-T. GRCh37 (hg19) VCF-style: chrX-19482454-C-T.
Other names: short protein forms S199N.
Identifiers: ClinVar variation 770825 (VCV000770825.7), dbSNP rs55916006, ClinGen allele CA10364293.

ClinVar aggregate classification (germline): Benign. Review status: criteria provided, multiple submitters, no conflicts (2 of 4 stars). 3 submissions from 3 submitters: Benign (2). 1 of the submissions does not count toward it. Last evaluated 2019-12-31.

Conditions:
MAP3K15-related disorder. Also called: MAP3K15-related condition.

Allele frequency attached by ClinVar (database versions not stated): 1000 Genomes Project 0.00344; 1000 Genomes Project 30x 0.00395; gnomAD 0.00420 and 0.00438; TOPMed 0.00493; ExAC 0.00506; ESP Exome Variant Server 0.00529; gnomAD exomes 0.00558 and 0.00579.
gnomAD v4.1: 6,831 of 1,196,954 alleles (0.57%); highest among the groups gnomAD compares: Middle Eastern, 0.99%; 24 homozygotes.

Submissions (3):

Labcorp Genetics (formerly Invitae), Labcorp
Classification: Benign. Last evaluated: 2019-12-31. Review status: criteria provided, single submitter. Criteria: Invitae Variant Classification Sherloc (09022015). Collection method: clinical testing. Allele origin: germline.

Breakthrough Genomics
Classification: Benign. Review status: criteria provided, single submitter. Criteria: ACMG Guidelines, 2015. Collection method: not provided. Allele origin: germline. Inheritance: Unknown mechanism. Affected: yes.

PreventionGenetics, part of Exact Sciences
Classification: Benign for MAP3K15-related condition. Last evaluated: 2019-05-28. Review status: no assertion criteria provided. Collection method: clinical testing. Allele origin: germline. Not counted in ClinVar's aggregate classification.
Comment: This variant is classified as benign based on ACMG/AMP sequence variant interpretation guidelines (Richards et al. 2015 PMID: 25741868, with internal and published modifications).